The following is an entry in ClinVar:

ClinVar aggregate classification (germline): Likely benign (1 of 4 stars; one submission).

Conditions:
Hypertrophic cardiomyopathy. Also called: HYPERTROPHIC MYOCARDIOPATHY. Identifiers: Orphanet 217569, MedGen C0007194, MeSH D002312, MONDO:0005045, HP:0001639.

Submission:

All of Us Research Program, National Institutes of Health
Classification: Likely benign for Hypertrophic cardiomyopathy. Last evaluated: 2023-08-15. Review status: criteria provided, single submitter. Criteria: ACMG Guidelines, 2015. Collection method: clinical testing. Allele origin: germline. Inheritance: Autosomal dominant inheritance. Observed: 2 variant alleles, 2 heterozygotes.
Comment: This study involves interpretation of variants in research participants for the purpose of population health screening. Participant phenotype was not available at the time of variant classification. Additional details can be found in publication PMID: 35346344, PMCID: PMC8962531

NM_000256.3(MYBPC3):c.1898-9C>T

Gene: MYBPC3 (myosin binding protein C3; minus strand). Cytogenetic location: 11p11.2.
Variant type: single nucleotide variant.
Coding change: c.1898-9C>T on transcript NM_000256.3 (MANE Select); 9 bases into the intron before coding-DNA position 1898, C replaced by T.
Molecular consequence: intron variant.
Genome position (GRCh38, 1-based): chr11:47,341,041, G>A on the plus strand (C>T on the coding strand, the complement: MYBPC3 is on the minus strand). VCF-style: chr11-47341041-G-A. GRCh37 (hg19) VCF-style: chr11-47362592-G-A.
Identifiers: ClinVar variation 3069344 (VCV003069344.1), dbSNP rs2495759228, ClinGen allele CA2613397803.